The following is an entry in ClinVar:

ClinVar aggregate classification (germline): Uncertain significance (1 of 4 stars; one submission).

Allele frequency attached by ClinVar (database versions not stated): gnomAD exomes below 0.00001.
gnomAD v4.1: 1 of 1,613,964 alleles (0.000062%); highest among the groups gnomAD compares: Admixed American, 0.0017%; no homozygotes.

Submission:

Labcorp Genetics (formerly Invitae), Labcorp
Classification: Uncertain significance. Last evaluated: 2022-10-24. Review status: criteria provided, single submitter. Criteria: Invitae Variant Classification Sherloc (09022015). Collection method: clinical testing. Allele origin: germline.
Comment: Algorithms developed to predict the effect of missense changes on protein structure and function are either unavailable or do not agree on the potential impact of this missense change (SIFT: "Deleterious"; PolyPhen-2: "Possibly Damaging"; Align-GVGD: "Class C15"). In summary, the available evidence is currently insufficient to determine the role of this variant in disease. Therefore, it has been classified as a Variant of Uncertain Significance. ClinVar contains an entry for this variant (Variation ID: 1404325). This variant has not been reported in the literature in individuals affected with CCT2-related conditions. This variant is present in population databases (no rsID available, gnomAD 0.003%). This sequence change replaces glutamic acid, which is acidic and polar, with glycine, which is neutral and non-polar, at codon 432 of the CCT2 protein (p.Glu432Gly).

NM_006431.3(CCT2):c.1295A>G (p.Glu432Gly)

Gene: CCT2 (chaperonin containing TCP1 subunit 2; plus strand). Cytogenetic location: 12q15.
Variant type: single nucleotide variant.
Coding change: c.1295A>G on transcript NM_006431.3 (MANE Select); coding-DNA position 1295, A replaced by G.
Protein change: p.Glu432Gly; replaces glutamic acid 432 with glycine.
Molecular consequence: missense variant.
Genome position (GRCh38, 1-based): chr12:69,598,031, A>G. VCF-style: chr12-69598031-A-G. GRCh37 (hg19) VCF-style: chr12-69991811-A-G.
Other names: c.1154A>G, p.Glu385Gly (NM_001198842.2); short protein forms E432G, E385G.
Identifiers: ClinVar variation 1404325 (VCV001404325.8), dbSNP rs1294269988, ClinGen allele CA385731031.